The following is an entry in ClinVar:

ClinVar aggregate classification (germline): Pathogenic/Likely pathogenic. Review status: criteria provided, multiple submitters, no conflicts (2 of 4 stars). 3 submissions from 3 submitters: Pathogenic (2); Likely pathogenic (1). Last evaluated 2025-08-20.

Conditions:
Neurodevelopmental disorder with hypotonia, brain anomalies, distinctive facies, and absent language. Also called: RNU4-2–Related Autosomal Dominant Neurodevelopmental Disorder; RNU4-2-Related Neurodevelopmental Disorder; ReNU SYNDROME. Identifiers: Orphanet 686488, MedGen C5935628, MONDO:0971172, OMIM 620851.

Submissions (3):

Clinical Genomic Analysis (GENYSIS) Core, University of North Carolina at Chapel Hill
Classification: Likely pathogenic for Neurodevelopmental disorder with hypotonia, brain anomalies, distinctive facies, and absent language. Last evaluated: 2025-08-20. Review status: criteria provided, single submitter. Criteria: ACMG Guidelines, 2015. Collection method: research. Allele origin: de novo. Affected: yes. Observed: 1 heterozygote. Study: UNC Genetic Determinants of Neurological and Developmental Disorders (GDNDD) Study.
Comment: RNU4-2 n.67A>G is a single nucleotide variant located within the 18 bp critical region of the non-coding RNA that spans nucleotides 62-67 (PMID: 38991538). This variant is absent from control individuals in the gnomADv4.1 population database and has been reported as pathogenic in ClinVar. The n.67A>G variant has been identified in several unrelated individuals with ReNU syndrome (PMIDs 38991538, 40379786, 38821540, 40413033). Given the available evidence, this variant is classified as likely pathogenic. ACMG codes: PS2 (confirmed de novo), PS4_Moderate (prior observations), PM1 (critical region), PM2_Supporting (absent from gnomAD)

Undiagnosed Diseases Network, NIH
Classification: Pathogenic for Neurodevelopmental disorder with hypotonia, brain anomalies, distinctive facies, and absent language. Last evaluated: 2024-12-31. Review status: criteria provided, single submitter. Criteria: ACMG Guidelines, 2015. Collection method: clinical testing. Allele origin: de novo. Inheritance: Autosomal dominant inheritance. Affected: yes. Observed: 1 heterozygote. Study: Undiagnosed Diseases Network (NIH), UDN.

Institute for Human Genetics, University Hospital Essen
Classification: Pathogenic for Neurodevelopmental disorder with hypotonia, brain anomalies, distinctive facies, and absent language. Last evaluated: 2005-03-05. Review status: criteria provided, single submitter. Criteria: ACMG Guidelines, 2015. Collection method: clinical testing. Allele origin: de novo. Inheritance: Autosomal dominant inheritance. Affected: yes.
Comment: PM2_supp, PS2, PS3, PS4_supp

Literature cited by the submitters: PubMed 38991538 (cited by Clinical Genomic Analysis (GENYSIS) Core, University of North Carolina at Chapel Hill); PubMed 40379786 (cited by Clinical Genomic Analysis (GENYSIS) Core, University of North Carolina at Chapel Hill); PubMed 38821540 (cited by Clinical Genomic Analysis (GENYSIS) Core, University of North Carolina at Chapel Hill); PubMed 40413033 (cited by Clinical Genomic Analysis (GENYSIS) Core, University of North Carolina at Chapel Hill).

NR_003137.3(RNU4-2):n.67A>G

Genes: RNU4-2 (RNA, U4 small nuclear 2; minus strand), SIRT4 (sirtuin 4; plus strand). Cytogenetic location: 12q24.23.
Variant type: single nucleotide variant.
Molecular consequence: non-coding transcript variant (on NR_003137.3).
Genome position: GRCh38 VCF-style: chr12-120291837-T-C. GRCh37 (hg19) VCF-style: chr12-120729640-T-C.
Identifiers: ClinVar variation 3766438 (VCV003766438.3).